The following is an entry in ClinVar:

NM_024577.4(SH3TC2):c.549C>T (p.Ala183=)

Gene: SH3TC2 (SH3 domain and tetratricopeptide repeats 2; minus strand). Cytogenetic location: 5q32.
Variant type: single nucleotide variant.
Coding change: c.549C>T on transcript NM_024577.4 (MANE Select); coding-DNA position 549, C replaced by T.
Protein change: p.Ala183=; no amino-acid change (alanine 183 retained).
Molecular consequence: synonymous variant.
Genome position (GRCh38, 1-based): chr5:149,041,598, G>A on the plus strand (C>T on the coding strand, the complement: SH3TC2 is on the minus strand). VCF-style: chr5-149041598-G-A. GRCh37 (hg19) VCF-style: chr5-148421161-G-A.
Identifiers: ClinVar variation 351918 (VCV000351918.27), dbSNP rs147013935, ClinGen allele CA3499466.

ClinVar aggregate classification (germline): Conflicting classifications of pathogenicity. Review status: criteria provided, conflicting classifications (1 of 4 stars). 9 submissions from 8 submitters: Uncertain significance (2); Likely benign (7). Last evaluated 2026-01-21.

Conditions:
Inborn genetic diseases. Identifiers: MedGen C0950123, MeSH D030342.
Susceptibility to mononeuropathy of the median nerve, mild. Also called: CARPAL TUNNEL SYNDROME, SUSCEPTIBILITY TO. Identifiers: MedGen C3150596, MONDO:0013237, OMIM 613353.
Charcot-Marie-Tooth disease type 4C (CMT4C). Also called: CHARCOT-MARIE-TOOTH DISEASE, DEMYELINATING, AUTOSOMAL RECESSIVE, TYPE 4C; CMT 4C; Charcot-Marie-Tooth Neuropathy Type 4C (CMT4C); CHARCOT-MARIE-TOOTH DISEASE, DEMYELINATING, TYPE 4C; SH3TC2-Related Hereditary Motor and Sensory Neuropathy. Identifiers: Orphanet 99949, MedGen C1866636, MONDO:0011113, OMIM 601596.
Charcot-Marie-Tooth disease. Also called: Charcot-Marie-Tooth Neuropathy; Charcot-Marie-Tooth Hereditary Neuropathy. Identifiers: Orphanet 166, MedGen C0007959, MONDO:0015626.
Charcot-Marie-Tooth disease type 4. Also called: Charcot-Marie-Tooth, Type 4; Charcot-Marie-Tooth disease, type IV. Identifiers: Orphanet 64749, MedGen C4082197, MONDO:0018995.

Allele frequency attached by ClinVar (database versions not stated): gnomAD exomes 0.00005 and 0.00006; TOPMed 0.00006; ExAC 0.00008; gnomAD 0.00008 and 0.00009; ESP Exome Variant Server 0.00015.
gnomAD v4.1: 94 of 1,614,040 alleles (0.0058%); highest among the groups gnomAD compares: Admixed American, 0.018%; no homozygotes.

Submissions (9):

Labcorp Genetics (formerly Invitae), Labcorp
Classification: Likely benign for Charcot-Marie-Tooth disease type 4. Last evaluated: 2026-01-21. Review status: criteria provided, single submitter. Criteria: Invitae Variant Classification Sherloc (09022015). Collection method: clinical testing. Allele origin: germline.

Women's Health and Genetics/Laboratory Corporation of America, LabCorp
Classification: Likely benign. Last evaluated: 2025-11-24. Review status: criteria provided, single submitter. Criteria: LabCorp Variant Classification Summary - May 2015. Collection method: clinical testing. Allele origin: germline.

Athena Diagnostics
Classification: Likely benign. Last evaluated: 2025-06-10. Review status: criteria provided, single submitter. Criteria: Athena Diagnostics Criteria. Collection method: clinical testing. Allele origin: unknown.
Comment: Computational tools yielded predictions that this variant is unlikely to have an effect on normal RNA splicing. This nucleotide position exhibits low evolutionary conservation.

GeneDx
Classification: Likely benign. Last evaluated: 2020-03-24. Review status: criteria provided, single submitter. Criteria: GeneDx Variant Classification Process June 2021. Collection method: clinical testing. Allele origin: germline. Affected: yes.

Ambry Genetics
Classification: Likely benign for Inborn genetic diseases. Last evaluated: 2019-07-11. Review status: criteria provided, single submitter. Criteria: Ambry Variant Classification Scheme 2023. Collection method: clinical testing. Allele origin: germline.

ARUP Laboratories, Molecular Genetics and Genomics, ARUP Laboratories
Classification: Likely benign. Last evaluated: 2019-02-18. Review status: criteria provided, single submitter. Criteria: ARUP Molecular Germline Variant Investigation Process. Collection method: clinical testing. Allele origin: germline.

Illumina Laboratory Services, Illumina
Classification: Uncertain significance for Charcot-Marie-Tooth disease type 4C. Last evaluated: 2018-01-12. Review status: criteria provided, single submitter. Criteria: ICSL Variant Classification Criteria 13 December 2019. Collection method: clinical testing. Allele origin: germline.

Illumina Laboratory Services, Illumina
Classification: Uncertain significance for Susceptibility to mononeuropathy of the median nerve, mild. Last evaluated: 2018-01-12. Review status: criteria provided, single submitter. Criteria: ICSL Variant Classification Criteria 13 December 2019. Collection method: clinical testing. Allele origin: germline.

Molecular Genetics Laboratory, London Health Sciences Centre
Classification: Likely benign for Charcot-Marie-Tooth disease. Review status: criteria provided, single submitter. Criteria: ACMG Guidelines, 2015. Collection method: clinical testing. Allele origin: germline. Affected: yes.

Literature cited by the submitters: PubMed 25614874 (cited by Athena Diagnostics).